The following is an entry in ClinVar:

NM_020975.6(RET):c.1162G>T (p.Val388Phe)

Gene: RET (ret proto-oncogene; plus strand). Cytogenetic location: 10q11.21.
Variant type: single nucleotide variant.
Coding change: c.1162G>T on transcript NM_020975.6 (MANE Select); coding-DNA position 1162, G replaced by T.
Protein change: p.Val388Phe; replaces valine 388 with phenylalanine.
Molecular consequence: missense variant.
Genome position (GRCh38, 1-based): chr10:43,109,129, G>T. VCF-style: chr10-43109129-G-T. GRCh37 (hg19) VCF-style: chr10-43604577-G-T.
Other names: c.1162G>T, p.Val388Phe (NM_000323.2, NM_001406743.1, NM_001406744.1 and 6 more transcripts); c.400G>T, p.Val134Phe (NM_001355216.2); c.1033G>T, p.Val345Phe (NM_001406761.1, NM_001406762.1, NM_001406764.1 and 1 more transcripts); c.874G>T, p.Val292Phe (NM_001406766.1, NM_001406767.1, NM_001406770.1); c.724G>T, p.Val242Phe (NM_001406771.1, NM_001406773.1); c.436G>T, p.Val146Phe (NM_001406775.1, NM_001406776.1, NM_001406777.1 and 1 more transcripts); c.172G>T, p.Val58Phe (NM_001406784.1); short protein forms V388F, V134F, V292F, V58F, V345F, V146F, V242F.
Identifiers: ClinVar variation 931231 (VCV000931231.5), dbSNP rs776223166, ClinGen allele CA376547588.

ClinVar aggregate classification (germline): Uncertain significance (1 of 4 stars; one submission).

Conditions:
Multiple endocrine neoplasia type 2B. Also called: Multiple Endocrine Neoplasia Type 2B (MEN2B); Multiple endocrine neoplasia, type 3; WAGENMANN-FROBOESE SYNDROME; MULTIPLE ENDOCRINE NEOPLASIA, TYPE III; MEN IIB; NEUROMATA, MUCOSAL, WITH ENDOCRINE TUMORS. Identifiers: Orphanet 247709, Orphanet 653, MedGen C0025269, MeSH D018814, MONDO:0008082, OMIM 162300.

Submission:

Centre for Mendelian Genomics, University Medical Centre Ljubljana
Classification: Uncertain significance for Multiple endocrine neoplasia type 2B. Last evaluated: 2018-09-27. Review status: criteria provided, single submitter. Criteria: ACMG Guidelines, 2015. Collection method: clinical testing. Allele origin: unknown. Affected: yes.
Comment: This variant was classified as: Uncertain significance. The available evidence favors the benign nature of this variant, however the evidence is insufficent to prove its benign nature. The following ACMG criteria were applied in classifying this variant: BP4,.